The following is an entry in ClinVar:

NM_001723.7(DST):c.6347G>A (p.Arg2116Gln)

Gene: DST (dystonin; minus strand). Cytogenetic location: 6p12.1.
Variant type: single nucleotide variant.
Coding change: c.6347G>A on transcript NM_001723.7 (MANE Plus Clinical); coding-DNA position 6347, G replaced by A.
Protein change: p.Arg2116Gln; replaces arginine 2116 with glutamine.
Molecular consequence: missense variant. On other transcripts: intron variant (10).
Genome position (GRCh38, 1-based): chr6:56,617,120, C>T on the plus strand (G>A on the coding strand, the complement: DST is on the minus strand). VCF-style: chr6-56617120-C-T. GRCh37 (hg19) VCF-style: chr6-56481918-C-T.
Other names: c.4831-2636G>A (NM_001144769.5); c.4930-2636G>A (NM_001374722.1, NM_001374736.1); c.4957-2636G>A (NM_001374734.1); c.4417-2636G>A (NM_001144770.2); c.4297-2636G>A (NM_001374730.1, NM_001386100.1, NM_183380.4 and 1 more transcripts); c.3319-2636G>A (NM_015548.5); short protein forms R2116Q.
Identifiers: ClinVar variation 961297 (VCV000961297.7), dbSNP rs755634476, ClinGen allele CA3870185.

ClinVar aggregate classification (germline): Uncertain significance (1 of 4 stars; one submission).

Conditions:
Epidermolysis bullosa simplex 3, localized or generalized intermediate, with BP230 deficiency (EBS3). Also called: Epidermolysis bullosa simplex, autosomal recessive 2; Epidermolysis bullosa simplex due to BP230 deficiency. Identifiers: Orphanet 412181, MedGen C3809470, MONDO:0014180, OMIM 615425.
Hereditary sensory and autonomic neuropathy type 6. Also called: Neuropathy, hereditary sensory and autonomic, type VI; HSAN VI. Identifiers: Orphanet 314381, MedGen C3539003, MONDO:0013839, OMIM 614653.

Allele frequency attached by ClinVar (database versions not stated): gnomAD exomes below 0.00001 and 0.00001; ExAC 0.00001; gnomAD 0.00001; TOPMed 0.00001.
gnomAD v4.1: 10 of 1,611,660 alleles (0.00062%); highest among the groups gnomAD compares: Non-Finnish European, 0.00085%; no homozygotes.

Submission:

Labcorp Genetics (formerly Invitae), Labcorp
Classification: Uncertain significance for Epidermolysis bullosa simplex 3, localized or generalized intermediate, with BP230 deficiency; Hereditary sensory and autonomic neuropathy type 6. Last evaluated: 2022-08-15. Review status: criteria provided, single submitter. Criteria: Invitae Variant Classification Sherloc (09022015). Collection method: clinical testing. Allele origin: germline.
Comment: This sequence change replaces arginine, which is basic and polar, with glutamine, which is neutral and polar, at codon 2116 of the DST protein (p.Arg2116Gln). This variant is present in population databases (rs755634476, gnomAD 0.002%). This variant has not been reported in the literature in individuals affected with DST-related conditions. ClinVar contains an entry for this variant (Variation ID: 961297). Algorithms developed to predict the effect of missense changes on protein structure and function (SIFT, PolyPhen-2, Align-GVGD) all suggest that this variant is likely to be tolerated. In summary, the available evidence is currently insufficient to determine the role of this variant in disease. Therefore, it has been classified as a Variant of Uncertain Significance.